The following is an entry in ClinVar:

ClinVar aggregate classification (germline): Conflicting classifications of pathogenicity. Review status: criteria provided, conflicting classifications (1 of 4 stars). 3 submissions from 3 submitters: Likely pathogenic (1); Uncertain significance (2). Last evaluated 2025-08-21.

Conditions:
Cardiovascular phenotype. Identifiers: MedGen CN230736.
Hypertrophic cardiomyopathy. Also called: HYPERTROPHIC MYOCARDIOPATHY. Identifiers: Orphanet 217569, MedGen C0007194, MeSH D002312, MONDO:0005045, HP:0001639.

Allele frequency attached by ClinVar (database versions not stated): TOPMed 0.00001.

Submissions (3):

Molecular Diagnostic Laboratory for Inherited Cardiovascular Disease, Montreal Heart Institute
Classification: Likely pathogenic for Cardiovascular phenotype. Last evaluated: 2025-08-21. Review status: criteria provided, single submitter. Criteria: ACMG Guidelines, 2015. Collection method: clinical testing. Allele origin: germline. Affected: yes.
Comment: PVS1_strong, PM2

Labcorp Genetics (formerly Invitae), Labcorp
Classification: Uncertain significance for Hypertrophic cardiomyopathy. Last evaluated: 2021-10-14. Review status: criteria provided, single submitter. Criteria: Invitae Variant Classification Sherloc (09022015). Collection method: clinical testing. Allele origin: germline.
Comment: This sequence change affects codon 394 of the MYBPC3 mRNA. It is a 'silent' change, meaning that it does not change the encoded amino acid sequence of the MYBPC3 protein. This variant is not present in population databases (ExAC no frequency). This variant has been observed in individual(s) with hypertrophic cardiomyopathy (PMID: 25849606). ClinVar contains an entry for this variant (Variation ID: 181063). Algorithms developed to predict the effect of sequence changes on RNA splicing suggest that this variant is not likely to affect RNA splicing. In summary, the available evidence is currently insufficient to determine the role of this variant in disease. Therefore, it has been classified as a Variant of Uncertain Significance.

GeneDx
Classification: Uncertain significance. Last evaluated: 2019-05-28. Review status: criteria provided, single submitter. Criteria: GeneDx Variant Classification Process June 2021. Collection method: clinical testing. Allele origin: germline. Affected: yes.
Comment: Not observed in large population cohorts (Lek et al., 2016); This variant is associated with the following publications: (PMID: 25849606)

Literature cited by the submitters: PubMed 25849606 (cited by Labcorp Genetics (formerly Invitae), Labcorp).

NM_000256.3(MYBPC3):c.1182C>A (p.Val394=)

Gene: MYBPC3 (myosin binding protein C3; minus strand). Cytogenetic location: 11p11.2.
Variant type: single nucleotide variant.
Coding change: c.1182C>A on transcript NM_000256.3 (MANE Select); coding-DNA position 1182, C replaced by A.
Protein change: p.Val394=; no amino-acid change (valine 394 retained).
Molecular consequence: synonymous variant.
Genome position (GRCh38, 1-based): chr11:47,343,533, G>T on the plus strand (C>A on the coding strand, the complement: MYBPC3 is on the minus strand). VCF-style: chr11-47343533-G-T. GRCh37 (hg19) VCF-style: chr11-47365084-G-T.
Other names: p.V394V:GTC>GTA; c.1182C>A, p.Val394= (LRG_386t1).
Identifiers: ClinVar variation 181063 (VCV000181063.10), dbSNP rs730880636, ClinGen allele CA009839.